The following is an entry in ClinVar:

NM_001931.5(DLAT):c.156T>A (p.Tyr52Ter)

Gene: DLAT (dihydrolipoamide S-acetyltransferase; plus strand). Cytogenetic location: 11q23.1.
Variant type: single nucleotide variant.
Coding change: c.156T>A on transcript NM_001931.5 (MANE Select); coding-DNA position 156, T replaced by A.
Protein change: p.Tyr52Ter; replaces tyrosine 52 with a stop codon.
Molecular consequence: nonsense. On other transcripts: missense variant (1), 5 prime UTR variant (1), non-coding transcript variant (1), intron variant (1).
Genome position (GRCh38, 1-based): chr11:112,025,628, T>A. VCF-style: chr11-112025628-T-A. GRCh37 (hg19) VCF-style: chr11-111896352-T-A.
Other names: c.156T>A, p.Tyr52Ter (NM_001372031.1, NM_001372032.1, NM_001372033.1 and 6 more transcripts); c.115T>A, p.Trp39Arg (NM_001372036.1); c.-311T>A (NM_001372042.1); c.111+4T>A (NM_001372037.1); short protein forms W39R, Y52*.
Identifiers: ClinVar variation 3912013 (VCV003912013.2).

ClinVar aggregate classification (germline): Likely pathogenic (1 of 4 stars; one submission).

Conditions:
Pyruvate dehydrogenase E2 deficiency (PDHDD). Also called: Dihydrolipoamide Acetyltransferase (E2) Deficiency; LACTIC ACIDEMIA DUE TO DEFECT OF E2 LIPOYL TRANSACETYLASE OF THE PYRUVATE DEHYDROGENASE COMPLEX. Identifiers: Orphanet 765, Orphanet 79244, MedGen C1855565, MONDO:0009502, OMIM 245348.

gnomAD v4.1: 1 of 1,613,618 alleles (0.000062%); highest among the groups gnomAD compares: Non-Finnish European, 0.000085%; no homozygotes.

Submission:

Women's Health and Genetics/Laboratory Corporation of America, LabCorp
Classification: Likely pathogenic for Pyruvate dehydrogenase E2 deficiency. Last evaluated: 2025-07-01. Review status: criteria provided, single submitter. Criteria: LabCorp Variant Classification Summary - May 2015. Collection method: clinical testing. Allele origin: germline.
Comment: Variant summary: DLAT c.156T>A (p.Tyr52X) results in a premature termination codon, predicted to cause a truncation of the encoded protein or absence of the protein due to nonsense mediated decay, which are commonly known mechanisms for disease. The variant was absent in 247368 control chromosomes. To our knowledge, no occurrence of c.156T>A in individuals affected with Pyruvate Dehydrogenase E2 Deficiency and no experimental evidence demonstrating its impact on protein function have been reported. No submitters have cited clinical-significance assessments for this variant to ClinVar. Based on the evidence outlined above, the variant was classified as likely pathogenic.